The following is an entry in ClinVar:

NM_017838.4(NHP2):c.337-3T>C

Genes: RMND5B (required for meiotic nuclear division 5 homolog B; plus strand), NHP2 (NHP2 ribonucleoprotein; minus strand). Cytogenetic location: 5q35.3.
Variant type: single nucleotide variant.
Coding change: c.337-3T>C on transcript NM_017838.4 (MANE Select); 3 bases into the intron before coding-DNA position 337, T replaced by C.
Molecular consequence: intron variant. On other transcripts: 3 prime UTR variant (3).
Genome position (GRCh38, 1-based): chr5:178,149,841, A>G on the plus strand (T>C on the coding strand, the complement: NHP2 is on the minus strand). VCF-style: chr5-178149841-A-G. GRCh37 (hg19) VCF-style: chr5-177576842-A-G.
Other names: c.*1809A>G (NM_001288794.2, NM_001288795.2, NM_022762.5); c.231-3T>C (NM_001034833.2); c.465-3T>C (NM_001396110.1).
Identifiers: ClinVar variation 3646086 (VCV003646086.2).
Genomic context (GRCh38, chr5:178,149,841, plus strand): 5'-GGGGCTTGACCATTATCACACAGGTGGGGCGCTTGGAGCCTGCGGCTGCACCCAGGTCCT[A>G]CAGAGGGGAAAGAAGTGCTGTTTGGAAAAAAGCTGTACAACCTGTATGCCAGGAAGTCAC-3'

ClinVar aggregate classification (germline): Uncertain significance (1 of 4 stars; one submission).

Conditions:
Dyskeratosis congenita. Identifiers: Orphanet 1775, MedGen C0265965, MONDO:0015780.

Submission:

Labcorp Genetics (formerly Invitae), Labcorp
Classification: Uncertain significance for Dyskeratosis congenita. Last evaluated: 2024-03-15. Review status: criteria provided, single submitter. Criteria: Invitae Variant Classification Sherloc (09022015). Collection method: clinical testing. Allele origin: germline.
Comment: This sequence change falls in intron 3 of the NHP2 gene. It does not directly change the encoded amino acid sequence of the NHP2 protein. It affects a nucleotide within the consensus splice site. This variant is not present in population databases (gnomAD no frequency). This variant has not been reported in the literature in individuals affected with NHP2-related conditions. Variants that disrupt the consensus splice site are a relatively common cause of aberrant splicing (PMID: 17576681, 9536098). Algorithms developed to predict the effect of sequence changes on RNA splicing suggest that this variant is not likely to affect RNA splicing. In summary, the available evidence is currently insufficient to determine the role of this variant in disease. Therefore, it has been classified as a Variant of Uncertain Significance.

Literature cited by the submitters: PubMed 17576681; PubMed 9536098.